The following is an entry in ClinVar:

NM_012330.4(KAT6B):c.1402G>A (p.Val468Ile)

Gene: KAT6B (lysine acetyltransferase 6B; plus strand). Cytogenetic location: 10q22.2.
Variant type: single nucleotide variant.
Coding change: c.1402G>A on transcript NM_012330.4 (MANE Select); coding-DNA position 1402, G replaced by A.
Protein change: p.Val468Ile; replaces valine 468 with isoleucine.
Molecular consequence: missense variant. On other transcripts: intron variant (11).
Genome position (GRCh38, 1-based): chr10:74,975,739, G>A. VCF-style: chr10-74975739-G-A. GRCh37 (hg19) VCF-style: chr10-76735497-G-A.
Other names: c.1402G>A, p.Val468Ile (NM_001256468.2, NM_001370136.1, NM_001370137.1 and 1 more transcripts); c.1117+285G>A (NM_001370139.1, NM_001370140.1, NM_001370141.1 and 3 more transcripts); c.846+5964G>A (NM_001370133.1); c.193-3485G>A (NM_001370134.1); c.929-1577G>A (NM_001370143.1, NM_001370144.1); c.193-13280G>A (NM_001370135.1); short protein forms V468I.
Identifiers: ClinVar variation 3721563 (VCV003721563.2).
Genomic context (GRCh38, chr10:74,975,739, plus strand): 5'-GGTCGCAGATCACGAGGTGAAATTATAGACTTTTCAAAGCACTATCGTCCAAGGAAAAAG[G>A]TCTCTCAGAAACAGTCATGCACTTCTCATGTGTTGGCTACAGGTACCACACAAAAGCTAA-3'
Protein context (NP_036462.2, residues 458-478): FSKHYRPRKK[Val468Ile]SQKQSCTSHV

ClinVar aggregate classification (germline): Uncertain significance (1 of 4 stars; one submission).

Conditions:
Genitopatellar syndrome (GTPTS). Also called: ABSENT PATELLAE, SCROTAL HYPOPLASIA, RENAL ANOMALIES, FACIAL DYSMORPHISM, AND MENTAL RETARDATION; Genitopatellar syndrome (GPS). Identifiers: Orphanet 85201, MedGen C1853566, MONDO:0011640, OMIM 606170.

gnomAD v4.1: 2 of 1,614,062 alleles (0.00012%); highest among the groups gnomAD compares: African/African-American, 0.0013%; no homozygotes.

Submission:

Labcorp Genetics (formerly Invitae), Labcorp
Classification: Uncertain significance for Genitopatellar syndrome. Last evaluated: 2024-09-26. Review status: criteria provided, single submitter. Criteria: Invitae Variant Classification Sherloc (09022015). Collection method: clinical testing. Allele origin: germline.
Comment: This sequence change replaces valine, which is neutral and non-polar, with isoleucine, which is neutral and non-polar, at codon 468 of the KAT6B protein (p.Val468Ile). This variant is not present in population databases (gnomAD no frequency). This variant has not been reported in the literature in individuals affected with KAT6B-related conditions. An algorithm developed to predict the effect of missense changes on protein structure and function (PolyPhen-2) suggests that this variant is likely to be tolerated. In summary, the available evidence is currently insufficient to determine the role of this variant in disease. Therefore, it has been classified as a Variant of Uncertain Significance.